The following is an entry in ClinVar:

ClinVar aggregate classification (germline): Uncertain significance. Review status: criteria provided, multiple submitters, no conflicts (2 of 4 stars). 2 submissions from 2 submitters: Uncertain significance (2). Last evaluated 2026-02-01.

Conditions:
Myofibrillar myopathy 5. Also called: Filaminopathy (type); FILAMINOPATHY, AUTOSOMAL DOMINANT. Identifiers: Orphanet 171445, MedGen C1836050, MONDO:0012289, OMIM 609524.
Hypertrophic cardiomyopathy 26. Also called: Cardiomyopathy, familial hypertrophic, 26. Identifiers: Orphanet 75249, MedGen C4310749, MONDO:0014883, OMIM 617047.
Distal myopathy with posterior leg and anterior hand involvement. Also called: WILLIAMS DISTAL MYOPATHY. Identifiers: Orphanet 63273, MedGen C3279722, MONDO:0013550, OMIM 614065.
Cardiovascular phenotype. Identifiers: MedGen CN230736.

gnomAD v4.1: 1 of 1,601,500 alleles (0.000062%); no homozygotes.

Submissions (2):

Labcorp Genetics (formerly Invitae), Labcorp
Classification: Uncertain significance for Distal myopathy with posterior leg and anterior hand involvement; Myofibrillar myopathy 5; Hypertrophic cardiomyopathy 26. Last evaluated: 2026-02-01. Review status: criteria provided, single submitter. Criteria: Invitae Variant Classification Sherloc (09022015). Collection method: clinical testing. Allele origin: germline.
Comment: This sequence change falls in intron 26 of the FLNC gene. It does not directly change the encoded amino acid sequence of the FLNC protein. It affects a nucleotide within the consensus splice site. This variant is not present in population databases (gnomAD no frequency). This variant has not been reported in the literature in individuals affected with FLNC-related conditions. ClinVar contains an entry for this variant (Variation ID: 2925946). Variants that disrupt the consensus splice site are a relatively common cause of aberrant splicing (PMID: 17576681, 9536098). Algorithms developed to predict the effect of sequence changes on RNA splicing suggest that this variant is not likely to affect RNA splicing. In summary, the available evidence is currently insufficient to determine the role of this variant in disease. Therefore, it has been classified as a Variant of Uncertain Significance.

Ambry Genetics
Classification: Uncertain significance for Cardiovascular phenotype. Last evaluated: 2023-11-20. Review status: criteria provided, single submitter. Criteria: Ambry Variant Classification Scheme 2023. Collection method: clinical testing. Allele origin: germline.
Comment: The c.4580+4A>G intronic variant results from an A to G substitution 4 nucleotides after coding exon 26 in the FLNC gene. This nucleotide position is well conserved in available vertebrate species. In silico splice site analysis for this alteration is inconclusive. Since supporting evidence is limited at this time, the clinical significance of this alteration remains unclear.

Literature cited by the submitters: PubMed 17576681 (cited by Labcorp Genetics (formerly Invitae), Labcorp); PubMed 9536098 (cited by Labcorp Genetics (formerly Invitae), Labcorp).

NM_001458.5(FLNC):c.4580+4A>G

Gene: FLNC (filamin C; plus strand). Cytogenetic location: 7q32.1.
Variant type: single nucleotide variant.
Coding change: c.4580+4A>G on transcript NM_001458.5 (MANE Select); 4 bases into the intron after coding-DNA position 4580, A replaced by G.
Molecular consequence: intron variant.
Genome position (GRCh38, 1-based): chr7:128,848,072, A>G. VCF-style: chr7-128848072-A-G. GRCh37 (hg19) VCF-style: chr7-128488126-A-G.
Other names: c.4580+4A>G (NM_001458.4, NM_001127487.2).
Identifiers: ClinVar variation 2925946 (VCV002925946.4), dbSNP rs2536646742, ClinGen allele CA2684814448.